The following is an entry in ClinVar:

NM_007194.4(CHEK2):c.1008+15C>G

Gene: CHEK2 (checkpoint kinase 2; minus strand). Cytogenetic location: 22q12.1.
Variant type: single nucleotide variant.
Coding change: c.1008+15C>G on transcript NM_007194.4 (MANE Select); 15 bases into the intron after coding-DNA position 1008, C replaced by G.
Molecular consequence: intron variant.
Genome position (GRCh38, 1-based): chr22:28,699,823, G>C on the plus strand (C>G on the coding strand, the complement: CHEK2 is on the minus strand). VCF-style: chr22-28699823-G-C. GRCh37 (hg19) VCF-style: chr22-29095811-G-C.
Other names: c.345+15C>G (NM_001437942.1, NM_001257387.3); c.807+15C>G (NM_001349956.3); c.1008+15C>G (NM_145862.3); c.1101+15C>G (NM_001438295.1, NM_001438293.1); c.1137+15C>G (NM_001438294.1, NM_001005735.3).
Identifiers: ClinVar variation 510656 (VCV000510656.12), dbSNP rs1555915284, ClinGen allele CA658799510.

ClinVar aggregate classification (germline): Likely benign. Review status: criteria provided, multiple submitters, no conflicts (2 of 4 stars). 3 submissions from 3 submitters: Likely benign (3). Last evaluated 2025-04-11.

Conditions:
Hereditary cancer-predisposing syndrome. Also called: Hereditary neoplastic syndrome; Hereditary Cancer Syndrome; Neoplastic Syndromes, Hereditary; Tumor predisposition. Identifiers: Orphanet 140162, MedGen C0027672, MeSH D009386, MONDO:0015356.
Familial cancer of breast. Also called: hereditary breast carcinoma; BREAST CANCER, FAMILIAL; Hereditary breast cancer. Identifiers: Orphanet 227535, MedGen C0346153, MONDO:0016419, OMIM 114480. Disease mechanism: loss of function.

Allele frequency attached by ClinVar (database versions not stated): gnomAD exomes below 0.00001; TOPMed below 0.00001.
gnomAD v4.1: 10 of 1,564,392 alleles (0.00064%); highest among the groups gnomAD compares: Non-Finnish European, 0.00088%; no homozygotes.

Submissions (3):

Labcorp Genetics (formerly Invitae), Labcorp
Classification: Likely benign for Familial cancer of breast. Last evaluated: 2025-04-11. Review status: criteria provided, single submitter. Criteria: Invitae Variant Classification Sherloc (09022015). Collection method: clinical testing. Allele origin: germline.

Color Diagnostics, LLC DBA Color Health
Classification: Likely benign for Hereditary cancer-predisposing syndrome. Last evaluated: 2018-04-17. Review status: criteria provided, single submitter. Criteria: ACMG Guidelines, 2015. Collection method: clinical testing. Allele origin: germline.

GeneDx
Classification: Likely benign. Last evaluated: 2017-07-07. Review status: criteria provided, single submitter. Criteria: GeneDx Variant Classification (06012015). Collection method: clinical testing. Allele origin: germline. Affected: yes.
Comment: This variant is considered likely benign or benign based on one or more of the following criteria: it is a conservative change, it occurs at a poorly conserved position in the protein, it is predicted to be benign by multiple in silico algorithms, and/or has population frequency not consistent with disease.